The following is an entry in ClinVar:

NM_014927.5(CNKSR2):c.2562C>A (p.Asn854Lys)

Gene: CNKSR2 (connector enhancer of kinase suppressor of Ras 2; plus strand). Cytogenetic location: Xp22.12.
Variant type: single nucleotide variant.
Coding change: c.2562C>A on transcript NM_014927.5 (MANE Select); coding-DNA position 2562, C replaced by A.
Protein change: p.Asn854Lys; replaces asparagine 854 with lysine.
Molecular consequence: missense variant.
Genome position (GRCh38, 1-based): chrX:21,609,487, C>A. VCF-style: chrX-21609487-C-A. GRCh37 (hg19) VCF-style: chrX-21627605-C-A.
Other names: c.2472C>A, p.Asn824Lys (NM_001168647.3, NM_001330773.2); c.2562C>A, p.Asn854Lys (NM_001168648.3); c.2415C>A, p.Asn805Lys (NM_001168649.3, NM_001330770.2); c.2325C>A, p.Asn775Lys (NM_001330771.2, NM_001330772.2); short protein forms N775K, N805K, N824K, N854K.
Identifiers: ClinVar variation 4076881 (VCV004076881.1).

ClinVar aggregate classification (germline): Uncertain significance (1 of 4 stars; one submission).

Submission:

GeneDx
Classification: Uncertain significance. Last evaluated: 2025-02-25. Review status: criteria provided, single submitter. Criteria: GeneDx Variant Classification Process June 2021. Collection method: clinical testing. Allele origin: germline. Affected: yes.
Comment: Not observed at significant frequency in large population cohorts (gnomAD); In silico analysis indicates that this missense variant does not alter protein structure/function; Has not been previously published as pathogenic or benign to our knowledge